The following is an entry in ClinVar:

NM_001267550.2(TTN):c.89625del (p.Asp29876fs)

Genes: TTN (titin; minus strand), TTN-AS1 (TTN antisense RNA 1; plus strand). Cytogenetic location: 2q31.2.
Variant type: Deletion.
Coding change: c.89625del on transcript NM_001267550.2 (MANE Select); coding-DNA position 89625, one base deleted (A; older notation c.89625delA).
Protein change: p.Asp29876fs; shifts the reading frame from aspartic acid 29876.
Molecular consequence: frameshift variant.
Genome position (GRCh38, 1-based): chr2:178,553,275, T deleted on the plus strand (A on the coding strand, the reverse complement: TTN is on the minus strand); the first of 4 consecutive T bases (chr2:178,553,275-178,553,278); deleting any one gives the same sequence. VCF-style (leftmost placement, unchanged base first): chr2-178553274-CT-C. GRCh37 (hg19) VCF-style: chr2-179418001-CT-C.
Other names: c.84702del, p.Asp28235fs (NM_001256850.1); c.62430del, p.Asp20811fs (NM_003319.4); c.81921del, p.Asp27308fs (NM_133378.4); c.62805del, p.Asp20936fs (NM_133432.3); c.63006del, p.Asp21003fs (NM_133437.4); c.89625delA (NM_001267550.2); short protein forms D29876fs, D20936fs, D21003fs, D28235fs, D27308fs, D20811fs.
Identifiers: ClinVar variation 579945 (VCV000579945.9), dbSNP rs1559216544, ClinGen allele CA891843227.

ClinVar aggregate classification (germline): Likely pathogenic (1 of 4 stars; one submission).

Conditions:
Dilated cardiomyopathy 1G (CMD1G). Identifiers: Orphanet 154, MedGen C1858763, MONDO:0011400, OMIM 604145.
Autosomal recessive limb-girdle muscular dystrophy type 2J (LGMDR10). Also called: Limb-girdle muscular dystrophy, type 2J; MUSCULAR DYSTROPHY, LIMB-GIRDLE, AUTOSOMAL RECESSIVE 10. Identifiers: Orphanet 140922, MedGen C1837342, MONDO:0012127, OMIM 608807.

Submission:

Labcorp Genetics (formerly Invitae), Labcorp
Classification: Likely pathogenic for Dilated cardiomyopathy 1G; Autosomal recessive limb-girdle muscular dystrophy type 2J. Last evaluated: 2018-01-18. Review status: criteria provided, single submitter. Criteria: Invitae Variant Classification Sherloc (09022015). Collection method: clinical testing. Allele origin: germline.
Comment: This variant is not present in population databases (ExAC no frequency). For these reasons, this variant has been classified as Likely Pathogenic. This variant is found in the A-band of this gene. While this particular variant has not been reported in the literature, truncating variants in the A-band of TTN are significantly overrepresented in patients with dilated cardiomyopathy and are considered to be likely pathogenic for the disease (PMID: 25589632). This variant has not been reported in the literature in individuals with TTN-related disease. This sequence change results in a premature translational stop signal in the TTN gene (p.Asp29876Metfs*39). While this is not anticipated to result in nonsense mediated decay, it is expected to disrupt the last 6,116 amino acids of the TTN protein.

Literature cited by the submitters: PubMed 25589632.